The following is an entry in ClinVar:

ClinVar aggregate classification (germline): Benign/Likely benign. Review status: criteria provided, multiple submitters, no conflicts (2 of 4 stars). 3 submissions from 3 submitters: Benign (1); Likely benign (2). Last evaluated 2024-06-21.

Conditions:
Familial cancer of breast. Also called: Hereditary breast cancer; BREAST CANCER, FAMILIAL; hereditary breast carcinoma. Identifiers: Orphanet 227535, MedGen C0346153, MONDO:0016419, OMIM 114480. Disease mechanism: loss of function.
Hereditary cancer-predisposing syndrome. Also called: Tumor predisposition; Neoplastic Syndromes, Hereditary; Hereditary Cancer Syndrome; Hereditary neoplastic syndrome. Identifiers: Orphanet 140162, MedGen C0027672, MeSH D009386, MONDO:0015356.
Ataxia-telangiectasia syndrome (AT). Also called: ATAXIA-TELANGIECTASIA, COMPLEMENTATION GROUP A; ATAXIA-TELANGIECTASIA, FRESNO VARIANT; Ataxia-telangiectasia; Ataxia-telangiectasia, complementation group D; AT, COMPLEMENTATION GROUP C; Ataxia-telangiectasia, complementation group E. Identifiers: Orphanet 100, MedGen C0004135, MONDO:0008840, OMIM 208900.

Allele frequency attached by ClinVar (database versions not stated): TOPMed below 0.00001; gnomAD 0.00001.
gnomAD v4.1: 2 of 1,613,842 alleles (0.00012%); highest among the groups gnomAD compares: African/African-American, 0.0027%; no homozygotes.

Submissions (3):

Labcorp Genetics (formerly Invitae), Labcorp
Classification: Likely benign for Ataxia-telangiectasia syndrome. Last evaluated: 2024-06-21. Review status: criteria provided, single submitter. Criteria: Invitae Variant Classification Sherloc (09022015). Collection method: clinical testing. Allele origin: germline.

Myriad Genetics, Inc.
Classification: Benign for Familial cancer of breast. Last evaluated: 2024-06-18. Review status: criteria provided, single submitter. Criteria: Myriad Autosomal Dominant, Autosomal Recessive and X-Linked Classification Criteria (2023). Collection method: clinical testing. Allele origin: unknown.
Comment: This variant is considered benign. This variant is a silent/synonymous amino acid change and it is not expected to impact splicing.

Ambry Genetics
Classification: Likely benign for Hereditary cancer-predisposing syndrome. Last evaluated: 2018-04-14. Review status: criteria provided, single submitter. Criteria: Ambry Variant Classification Scheme 2023. Collection method: clinical testing. Allele origin: germline.

NM_000051.4(ATM):c.8193C>T (p.Val2731=)

Genes: ATM (ATM serine/threonine kinase; plus strand), C11orf65 (chromosome 11 open reading frame 65; minus strand). Cytogenetic location: 11q22.3.
Variant type: single nucleotide variant.
Coding change: c.8193C>T on transcript NM_000051.4 (MANE Select); coding-DNA position 8193, C replaced by T.
Protein change: p.Val2731=; no amino-acid change (valine 2731 retained).
Molecular consequence: synonymous variant. On other transcripts: intron variant (2).
Genome position (GRCh38, 1-based): chr11:108,335,886, C>T. VCF-style: chr11-108335886-C-T. GRCh37 (hg19) VCF-style: chr11-108206613-C-T.
Other names: c.8193C>T, p.Val2731= (NM_001351834.2); c.641-26815G>A (NM_001330368.2); c.695-594G>A (NM_001351110.2).
Identifiers: ClinVar variation 827497 (VCV000827497.14), dbSNP rs1060504307, ClinGen allele CA476678137.
Genomic context (GRCh38, chr11:108,335,886, plus strand): 5'-ATGCTTAATTATTCTGAAGGGCCGTGATGACCTGAGACAAGATGCTGTCATGCAACAGGT[C>T]TTCCAGATGTGTAATACATTACTGCAGAGAAACACGGAAACTAGGAAGAGGAAATTAACT-3'
Protein context (NP_000042.3, residues 2721-2741): DLRQDAVMQQ[Val2731=]FQMCNTLLQR